The following is an entry in ClinVar:

NM_006231.4(POLE):c.3061-15A>G

Gene: POLE (DNA polymerase epsilon, catalytic subunit; minus strand). Cytogenetic location: 12q24.33.
Variant type: single nucleotide variant.
Coding change: c.3061-15A>G on transcript NM_006231.4 (MANE Select); 15 bases into the intron before coding-DNA position 3061, A replaced by G.
Molecular consequence: intron variant.
Genome position (GRCh38, 1-based): chr12:132,659,524, T>C on the plus strand (A>G on the coding strand, the complement: POLE is on the minus strand). VCF-style: chr12-132659524-T-C. GRCh37 (hg19) VCF-style: chr12-133236110-T-C.
Identifiers: ClinVar variation 512735 (VCV000512735.8), dbSNP rs754528052, ClinGen allele CA6893370.

ClinVar aggregate classification (germline): Likely benign. Review status: criteria provided, multiple submitters, no conflicts (2 of 4 stars). 2 submissions from 2 submitters: Likely benign (2). Last evaluated 2026-01-31.

Allele frequency attached by ClinVar (database versions not stated): ExAC 0.00001; gnomAD 0.00006; TOPMed 0.00010.
gnomAD v4.1: 23 of 1,607,564 alleles (0.0014%); highest among the groups gnomAD compares: African/African-American, 0.017%; no homozygotes.

Submissions (2):

Labcorp Genetics (formerly Invitae), Labcorp
Classification: Likely benign. Last evaluated: 2026-01-31. Review status: criteria provided, single submitter. Criteria: Invitae Variant Classification Sherloc (09022015). Collection method: clinical testing. Allele origin: germline.

GeneDx
Classification: Likely benign. Last evaluated: 2017-10-19. Review status: criteria provided, single submitter. Criteria: GeneDx Variant Classification (06012015). Collection method: clinical testing. Allele origin: germline. Affected: yes.
Comment: This variant is considered likely benign or benign based on one or more of the following criteria: it is a conservative change, it occurs at a poorly conserved position in the protein, it is predicted to be benign by multiple in silico algorithms, and/or has population frequency not consistent with disease.